The following is an entry in ClinVar:

NM_015378.4(VPS13D):c.3279G>A (p.Ser1093=)

Gene: VPS13D (vacuolar protein sorting 13 homolog D; plus strand). Cytogenetic location: 1p36.22.
Variant type: single nucleotide variant.
Coding change: c.3279G>A on transcript NM_015378.4 (MANE Select); coding-DNA position 3279, G replaced by A.
Protein change: p.Ser1093=; no amino-acid change (serine 1093 retained).
Molecular consequence: synonymous variant.
Genome position (GRCh38, 1-based): chr1:12,276,867, G>A. VCF-style: chr1-12276867-G-A. GRCh37 (hg19) VCF-style: chr1-12336924-G-A.
Other names: c.3279G>A, p.Ser1093= (NM_018156.4); c.3279G>A (NM_015378.3).
Identifiers: ClinVar variation 2186589 (VCV002186589.8), dbSNP rs144696813, ClinGen allele CA601957.

ClinVar aggregate classification (germline): Likely benign. Review status: criteria provided, multiple submitters, no conflicts (2 of 4 stars). 4 submissions from 4 submitters: Likely benign (3). 1 of the submissions does not count toward it. Last evaluated 2026-08-01.

Conditions:
VPS13D-related disorder. Also called: VPS13D-related condition.

Allele frequency attached by ClinVar (database versions not stated): TOPMed 0.00007; ESP Exome Variant Server 0.00008; gnomAD 0.00010; ExAC 0.00011; 1000 Genomes Project 30x 0.00031; 1000 Genomes Project 0.00040.
gnomAD v4.1: 100 of 1,614,124 alleles (0.0062%); highest among the groups gnomAD compares: Admixed American, 0.045%; 1 homozygote.

Submissions (4):

CeGaT Center for Human Genetics Tuebingen
Classification: Likely benign. Last evaluated: 2026-08-01. Review status: criteria provided, single submitter. Criteria: CeGaT Center For Human Genetics Tuebingen Variant Classification Criteria Version 2. Collection method: clinical testing. Allele origin: germline. Affected: yes. Observed: 1 variant allele.
Comment: VPS13D: BP4, BP7

Labcorp Genetics (formerly Invitae), Labcorp
Classification: Likely benign. Last evaluated: 2025-10-01. Review status: criteria provided, single submitter. Criteria: Invitae Variant Classification Sherloc (09022015). Collection method: clinical testing. Allele origin: germline.

Blueprint Genetics
Classification: Likely benign. Last evaluated: 2024-10-11. Review status: criteria provided, single submitter. Criteria: ACMG Guidelines, 2015. Collection method: clinical testing. Allele origin: germline.

PreventionGenetics, part of Exact Sciences
Classification: Likely benign for VPS13D-related condition. Last evaluated: 2019-03-12. Review status: no assertion criteria provided. Collection method: clinical testing. Allele origin: germline. Not counted in ClinVar's aggregate classification.
Comment: This variant is classified as likely benign based on ACMG/AMP sequence variant interpretation guidelines (Richards et al. 2015 PMID: 25741868, with internal and published modifications).